The following is an entry in ClinVar:

NM_004006.3(DMD):c.3432+1G>T

Gene: DMD (dystrophin; minus strand). Cytogenetic location: Xp21.1.
Variant type: single nucleotide variant.
Coding change: c.3432+1G>T on transcript NM_004006.3 (MANE Select); the canonical splice donor site of the intron after coding-DNA position 3432, G replaced by T.
Molecular consequence: splice donor variant.
Genome position (GRCh38, 1-based): chrX:32,463,438, C>A on the plus strand (G>T on the coding strand, the complement: DMD is on the minus strand). VCF-style: chrX-32463438-C-A. GRCh37 (hg19) VCF-style: chrX-32481555-C-A.
Other names: c.3408+1G>T (NM_000109.4); c.3420+1G>T (NM_004009.3); c.3063+1G>T (NM_004010.3).
Identifiers: ClinVar variation 3724171 (VCV003724171.2), dbSNP rs398123937.

ClinVar aggregate classification (germline): Pathogenic (1 of 4 stars; one submission).

Conditions:
Duchenne muscular dystrophy (DMD). Also called: Duchenne Muscular Dystrophy (DMD); MUSCULAR DYSTROPHY, PSEUDOHYPERTROPHIC PROGRESSIVE, DUCHENNE TYPE. Identifiers: Orphanet 98896, MedGen C0013264, MONDO:0010679, OMIM 310200.

Submission:

Labcorp Genetics (formerly Invitae), Labcorp
Classification: Pathogenic for Duchenne muscular dystrophy. Last evaluated: 2024-02-16. Review status: criteria provided, single submitter. Criteria: Invitae Variant Classification Sherloc (09022015). Collection method: clinical testing. Allele origin: germline.
Comment: This sequence change affects a donor splice site in intron 25 of the DMD gene. It is expected to disrupt RNA splicing. Variants that disrupt the donor or acceptor splice site typically lead to a loss of protein function (PMID: 16199547), and loss-of-function variants in DMD are known to be pathogenic (PMID: 16770791, 25007885). This variant is not present in population databases (gnomAD no frequency). Disruption of this splice site has been observed in individuals with DMD-related conditions (PMID: 14695533, 16834926). Algorithms developed to predict the effect of sequence changes on RNA splicing suggest that this variant may disrupt the consensus splice site. For these reasons, this variant has been classified as Pathogenic.

Literature cited by the submitters: PubMed 16199547; PubMed 16770791; PubMed 25007885; PubMed 14695533; PubMed 16834926.